The following is an entry in ClinVar:

ClinVar aggregate classification (germline): Uncertain significance (1 of 4 stars; one submission).

Conditions:
Naxos disease (NXD). Also called: KERATOSIS PALMOPLANTARIS WITH ARRHYTHMOGENIC CARDIOMYOPATHY; MAL DE NAXOS; PALMOPLANTAR KERATODERMA WITH ARRHYTHMOGENIC RIGHT VENTRICULAR CARDIOMYOPATHY AND WOOLLY HAIR; WOOLLY HAIR, PALMOPLANTAR KERATODERMA, AND CARDIAC ABNORMALITIES; CARDIOMYOPATHY, ARRHYTHMOGENIC RIGHT VENTRICULAR, WITH SKIN, HAIR, AND NAIL ABNORMALITIES. Identifiers: Orphanet 34217, MedGen C1832600, MONDO:0011017, OMIM 601214.
Arrhythmogenic right ventricular dysplasia 12. Also called: ARRHYTHMOGENIC RIGHT VENTRICULAR DYSPLASIA, FAMILIAL, 12. Identifiers: MedGen C1969081, MONDO:0012684, OMIM 611528.

gnomAD v4.1: 6 of 1,606,664 alleles (0.00037%); highest among the groups gnomAD compares: South Asian, 0.0067%; no homozygotes.

Submission:

Labcorp Genetics (formerly Invitae), Labcorp
Classification: Uncertain significance for Arrhythmogenic right ventricular dysplasia 12; Naxos disease. Last evaluated: 2017-05-15. Review status: criteria provided, single submitter. Criteria: Invitae Variant Classification Sherloc (09022015). Collection method: clinical testing. Allele origin: germline.
Comment: In summary, this variant is a rare missense change that is not predicted to affect protein function. There is no indication that it causes disease, but the available evidence is currently insufficient to prove that conclusively. Therefore, it has been classified as a Variant of Uncertain Significance. Algorithms developed to predict the effect of missense changes on protein structure and function (SIFT, PolyPhen-2, Align-GVGD) all suggest that this variant is likely to be tolerated, but these predictions have not been confirmed by published functional studies. This variant is present in population databases (rs782425952, ExAC 0.02%) but has not been reported in the literature in individuals with a JUP-related disease. This sequence change replaces valine with leucine at codon 85 of the JUP protein (p.Val85Leu). The valine residue is moderately conserved and there is a small physicochemical difference between valine and leucine.

NM_002230.4(JUP):c.253G>C (p.Val85Leu)

Gene: JUP (junction plakoglobin; minus strand). Cytogenetic location: 17q21.2.
Variant type: single nucleotide variant.
Coding change: c.253G>C on transcript NM_002230.4 (MANE Select); coding-DNA position 253, G replaced by C.
Protein change: p.Val85Leu; replaces valine 85 with leucine.
Molecular consequence: missense variant.
Genome position (GRCh38, 1-based): chr17:41,769,633, C>G on the plus strand (G>C on the coding strand, the complement: JUP is on the minus strand). VCF-style: chr17-41769633-C-G. GRCh37 (hg19) VCF-style: chr17-39925885-C-G.
Other names: c.253G>C, p.Val85Leu (NM_001352773.2, NM_001352774.2, NM_001352775.2 and 3 more transcripts); short protein forms V85L.
Identifiers: ClinVar variation 468750 (VCV000468750.8), dbSNP rs782425952, ClinGen allele CA8565537.